The following is an entry in ClinVar:

ClinVar aggregate classification (germline): Uncertain significance. Review status: criteria provided, multiple submitters, no conflicts (2 of 4 stars). 2 submissions from 2 submitters: Uncertain significance (2). Last evaluated 2026-04-08.

Conditions:
Inborn genetic diseases. Identifiers: MedGen C0950123, MeSH D030342.

Allele frequency attached by ClinVar (database versions not stated): gnomAD exomes 0.00001; gnomAD 0.00001; 1000 Genomes Project 30x 0.00016; 1000 Genomes Project 0.00020; TOPMed 0.00001.
gnomAD v4.1: 19 of 1,614,084 alleles (0.0012%); highest among the groups gnomAD compares: East Asian, 0.0022%; no homozygotes.

Submissions (2):

Ambry Genetics
Classification: Uncertain significance for Inborn genetic diseases. Last evaluated: 2026-04-08. Review status: criteria provided, single submitter. Criteria: Ambry Variant Classification Scheme 2023. Collection method: clinical testing. Allele origin: germline.
Comment: The c.4907T>C (p.I1636T) alteration is located in exon 51 (coding exon 51) of the COL4A1 gene. This alteration results from a T to C substitution at nucleotide position 4907, causing the isoleucine (I) at amino acid position 1636 to be replaced by a threonine (T). Based on data from gnomAD, the C allele has an overall frequency of 0.002% (5/251440) total alleles studied. The highest observed frequency was 0.011% (2/18392) of East Asian alleles. Based on insufficient or conflicting evidence, the clinical significance of this alteration remains unclear.

Labcorp Genetics (formerly Invitae), Labcorp
Classification: Uncertain significance. Last evaluated: 2025-04-29. Review status: criteria provided, single submitter. Criteria: Invitae Variant Classification Sherloc (09022015). Collection method: clinical testing. Allele origin: germline.
Comment: This sequence change replaces isoleucine, which is neutral and non-polar, with threonine, which is neutral and polar, at codon 1636 of the COL4A1 protein (p.Ile1636Thr). This variant is present in population databases (rs201012509, gnomAD 0.006%). This variant has not been reported in the literature in individuals affected with COL4A1-related conditions. ClinVar contains an entry for this variant (Variation ID: 2883714). Invitae Evidence Modeling of protein sequence and biophysical properties (such as structural, functional, and spatial information, amino acid conservation, physicochemical variation, residue mobility, and thermodynamic stability) indicates that this missense variant is not expected to disrupt COL4A1 protein function with a negative predictive value of 80%. In summary, the available evidence is currently insufficient to determine the role of this variant in disease. Therefore, it has been classified as a Variant of Uncertain Significance.

NM_001845.6(COL4A1):c.4907T>C (p.Ile1636Thr)

Gene: COL4A1 (collagen type IV alpha 1 chain; minus strand). Cytogenetic location: 13q34.
Variant type: single nucleotide variant.
Coding change: c.4907T>C on transcript NM_001845.6 (MANE Select); coding-DNA position 4907, T replaced by C.
Protein change: p.Ile1636Thr; replaces isoleucine 1636 with threonine.
Molecular consequence: missense variant.
Genome position (GRCh38, 1-based): chr13:110,152,355, A>G on the plus strand (T>C on the coding strand, the complement: COL4A1 is on the minus strand). VCF-style: chr13-110152355-A-G. GRCh37 (hg19) VCF-style: chr13-110804702-A-G.
Other names: c.4907T>C (NM_001845.4); short protein forms I1636T.
Identifiers: ClinVar variation 2883714 (VCV002883714.4), dbSNP rs201012509, ClinGen allele CA256239211.